The following is an entry in ClinVar:

ClinVar aggregate classification (germline): Uncertain significance (1 of 4 stars; one submission).

Conditions:
Hereditary cancer-predisposing syndrome. Also called: Neoplastic Syndromes, Hereditary; Tumor predisposition; Hereditary Cancer Syndrome; Hereditary neoplastic syndrome. Identifiers: Orphanet 140162, MedGen C0027672, MeSH D009386, MONDO:0015356.

Submission:

Ambry Genetics
Classification: Uncertain significance for Hereditary cancer-predisposing syndrome. Last evaluated: 2019-03-28. Review status: criteria provided, single submitter. Criteria: Ambry Variant Classification Scheme 2023. Collection method: clinical testing. Allele origin: germline.
Comment: The c.202_204delTAT variant (also known as p.Y68del) is located in coding exon 2 of the FH gene. This variant results from an in-frame TAT deletion at nucleotide positions 202 to 204. This results in the in-frame deletion of a tyrosine at codon 68. Based on internal structural analysis, this variant is more disruptive than known pathogenic variants in the FH gene. This amino acid position is highly conserved in available vertebrate species. In addition, this alteration is predicted to be deleterious by in silico analysis (Choi Y et al. PLoS ONE. 2012;7:e46688). Since supporting evidence is limited at this time, the clinical significance of this alteration remains unclear.

NM_000143.4(FH):c.199TAT[1] (p.Tyr68del)

Gene: FH (fumarate hydratase; minus strand). Cytogenetic location: 1q43.
Variant type: Microsatellite.
Coding change: c.199TAT[1] on transcript NM_000143.4 (MANE Select); one copy of the 3-base unit TAT starting at c.199; the reference has two copies in a row; one copy, 3 bases deleted.
Protein change: p.Tyr68del; deletes tyrosine 68.
Molecular consequence: inframe deletion.
Genome position (GRCh38, 1-based): chr1:241,517,245-241,517,247, ATA deleted on the plus strand (TAT on the coding strand, the reverse complement: FH is on the minus strand); deleting any 3 consecutive bases within chr1:241,517,245-241,517,250 gives the same sequence; the position shown is the placement nearest the transcript's 3' end. VCF-style (leftmost placement, unchanged base first): chr1-241517244-CATA-C. GRCh37 (hg19) VCF-style: chr1-241680544-CATA-C.
Other names: short protein forms Y68del.
Identifiers: ClinVar variation 820545 (VCV000820545.4), dbSNP rs1573888450, ClinGen allele CA915942115.